The following is an entry in ClinVar:

ClinVar aggregate classification (germline): Uncertain significance (1 of 4 stars; one submission).

Conditions:
Early Myoclonic Encephalopathy. Identifiers: MedGen C0270855.

Allele frequency attached by ClinVar (database versions not stated): gnomAD exomes 0.00003 and 0.00002; gnomAD 0.00005 and 0.00004; TOPMed 0.00002; ExAC 0.00002.
gnomAD v4.1: 46 of 1,613,860 alleles (0.0029%); highest among the groups gnomAD compares: Non-Finnish European, 0.0036%; no homozygotes.

Submission:

Labcorp Genetics (formerly Invitae), Labcorp
Classification: Uncertain significance for Early Myoclonic Encephalopathy. Last evaluated: 2025-10-21. Review status: criteria provided, single submitter. Criteria: Invitae Variant Classification Sherloc (09022015). Collection method: clinical testing. Allele origin: germline.
Comment: This sequence change replaces isoleucine, which is neutral and non-polar, with valine, which is neutral and non-polar, at codon 91 of the KCND2 protein (p.Ile91Val). This variant is present in population databases (rs770810563, gnomAD 0.007%). This variant has not been reported in the literature in individuals affected with KCND2-related conditions. ClinVar contains an entry for this variant (Variation ID: 1416842). Invitae Evidence Modeling of protein sequence and biophysical properties (such as structural, functional, and spatial information, amino acid conservation, physicochemical variation, residue mobility, and thermodynamic stability) indicates that this missense variant is not expected to disrupt KCND2 protein function with a negative predictive value of 95%. In summary, the available evidence is currently insufficient to determine the role of this variant in disease. Therefore, it has been classified as a Variant of Uncertain Significance.

NM_012281.3(KCND2):c.271A>G (p.Ile91Val)

Gene: KCND2 (potassium voltage-gated channel subfamily D member 2; plus strand). Cytogenetic location: 7q31.31.
Variant type: single nucleotide variant.
Coding change: c.271A>G on transcript NM_012281.3 (MANE Select); coding-DNA position 271, A replaced by G.
Protein change: p.Ile91Val; replaces isoleucine 91 with valine.
Molecular consequence: missense variant.
Genome position (GRCh38, 1-based): chr7:120,274,903, A>G. VCF-style: chr7-120274903-A-G. GRCh37 (hg19) VCF-style: chr7-119914957-A-G.
Other names: short protein forms I91V.
Identifiers: ClinVar variation 1416842 (VCV001416842.8), dbSNP rs770810563, ClinGen allele CA4453482.